The following is an entry in ClinVar:

NM_000051.4(ATM):c.73-1G>A

Gene: ATM (ATM serine/threonine kinase; plus strand). Cytogenetic location: 11q22.3.
Variant type: single nucleotide variant.
Coding change: c.73-1G>A on transcript NM_000051.4 (MANE Select); the canonical splice acceptor site of the intron before coding-DNA position 73, G replaced by A.
Molecular consequence: splice acceptor variant.
Genome position (GRCh38, 1-based): chr11:108,227,775, G>A. VCF-style: chr11-108227775-G-A. GRCh37 (hg19) VCF-style: chr11-108098502-G-A.
Other names: c.73-1G>A (NM_001351834.2, NM_001351835.2, NM_001351836.2).
Identifiers: ClinVar variation 481354 (VCV000481354.14), dbSNP rs1555054043, ClinGen allele CA382519448.

ClinVar aggregate classification (germline): Pathogenic/Likely pathogenic. Review status: criteria provided, multiple submitters, no conflicts (2 of 4 stars). 4 submissions from 4 submitters: Pathogenic (1); Likely pathogenic (3). Last evaluated 2024-01-05.

Conditions:
Hereditary cancer-predisposing syndrome. Also called: Hereditary neoplastic syndrome; Neoplastic Syndromes, Hereditary; Tumor predisposition; Hereditary Cancer Syndrome. Identifiers: Orphanet 140162, MedGen C0027672, MeSH D009386, MONDO:0015356.
Familial cancer of breast. Also called: BREAST CANCER, FAMILIAL; Hereditary breast cancer; hereditary breast carcinoma. Identifiers: Orphanet 227535, MedGen C0346153, MONDO:0016419, OMIM 114480. Disease mechanism: loss of function.
Ataxia-telangiectasia syndrome (AT). Also called: LOUIS-BAR SYNDROME; Cerebello-oculocutaneous telangiectasia; Immunodeficiency with ataxia telangiectasia; AT, COMPLEMENTATION GROUP C; Ataxia-telangiectasia, complementation group D; ATAXIA-TELANGIECTASIA, COMPLEMENTATION GROUP A. Identifiers: Orphanet 100, MedGen C0004135, MONDO:0008840, OMIM 208900.

Submissions (4):

Myriad Genetics, Inc.
Classification: Likely pathogenic for Familial cancer of breast. Last evaluated: 2024-01-05. Review status: criteria provided, single submitter. Criteria: Myriad Autosomal Dominant, Autosomal Recessive and X-Linked Classification Criteria (2023). Collection method: clinical testing. Allele origin: unknown.
Comment: This variant is considered likely pathogenic. This variant occurs within a consensus splice junction and is predicted to result in abnormal mRNA splicing of either an out-of-frame exon or an in-frame exon necessary for protein stability and/or normal function.

Baylor Genetics
Classification: Likely pathogenic for Familial cancer of breast. Last evaluated: 2023-04-18. Review status: criteria provided, single submitter. Criteria: ACMG Guidelines, 2015. Collection method: clinical testing. Allele origin: unknown.

Labcorp Genetics (formerly Invitae), Labcorp
Classification: Pathogenic for Ataxia-telangiectasia syndrome. Last evaluated: 2022-10-28. Review status: criteria provided, single submitter. Criteria: Invitae Variant Classification Sherloc (09022015). Collection method: clinical testing. Allele origin: germline.
Comment: For these reasons, this variant has been classified as Pathogenic. Algorithms developed to predict the effect of sequence changes on RNA splicing suggest that this variant may disrupt the consensus splice site. ClinVar contains an entry for this variant (Variation ID: 481354). Disruption of this splice site has been observed in individual(s) with ataxia-telangiectasia and/or breast cancer (PMID: 28975465; Invitae). In at least one individual the data is consistent with being in trans (on the opposite chromosome) from a pathogenic variant. This variant is not present in population databases (gnomAD no frequency). This sequence change affects an acceptor splice site in intron 2 of the ATM gene. It is expected to disrupt RNA splicing. Variants that disrupt the donor or acceptor splice site typically lead to a loss of protein function (PMID: 16199547), and loss-of-function variants in ATM are known to be pathogenic (PMID: 23807571, 25614872).

Ambry Genetics
Classification: Likely pathogenic for Hereditary cancer-predisposing syndrome. Last evaluated: 2017-07-03. Review status: criteria provided, single submitter. Criteria: Ambry Variant Classification Scheme 2023. Collection method: clinical testing. Allele origin: germline.
Comment: The c.73-1G>A intronic variant results from a G to A substitution one nucleotide upstream from coding exon 2 of the ATM gene. This nucleotide position is highly conserved in available vertebrate species. Using the BDGP and ESEfinder splice site prediction tools, this alteration is predicted to abolish the native splice acceptor site; however, direct evidence is unavailable. Alterations that disrupt the canonical splice site are expected to cause aberrant splicing, resulting in an abnormal protein or a transcript that is subject to nonsense-mediated mRNA decay. As such, this alteration is classified as likely pathogenic.

Literature cited by the submitters: PubMed 28975465 (cited by Labcorp Genetics (formerly Invitae), Labcorp); PubMed 16199547 (cited by Labcorp Genetics (formerly Invitae), Labcorp); PubMed 23807571 (cited by Labcorp Genetics (formerly Invitae), Labcorp); PubMed 25614872 (cited by Labcorp Genetics (formerly Invitae), Labcorp).